The following is an entry in ClinVar:

NM_001148.6(ANK2):c.350T>C (p.Val117Ala)

Gene: ANK2 (ankyrin 2; plus strand). Cytogenetic location: 4q25.
Variant type: single nucleotide variant.
Coding change: c.350T>C on transcript NM_001148.6 (MANE Select); coding-DNA position 350, T replaced by C.
Protein change: p.Val117Ala; replaces valine 117 with alanine.
Molecular consequence: missense variant.
Genome position (GRCh38, 1-based): chr4:113,199,075, T>C. VCF-style: chr4-113199075-T-C. GRCh37 (hg19) VCF-style: chr4-114120231-T-C.
Other names: c.287T>C, p.Val96Ala (NM_001127493.3, NM_001354239.2, NM_001354243.2 and 33 more transcripts); c.350T>C, p.Val117Ala (NM_001354225.2, NM_001354228.2, NM_001354232.2 and 9 more transcripts); c.395T>C, p.Val132Ala (NM_001354230.2, NM_001354231.2, NM_001354237.2 and 5 more transcripts); c.332T>C, p.Val111Ala (NM_001354261.2, NM_001386147.1, NM_001386160.1); c.338T>C, p.Val113Ala (NM_001354269.3, NM_001386148.2, NM_001386186.2 and 1 more transcripts); c.401T>C, p.Val134Ala (NM_001386174.1, NM_001386175.1); short protein forms V132A, V111A, V113A, V117A, V134A, V96A.
Identifiers: ClinVar variation 1732152 (VCV001732152.2), dbSNP rs892879418, ClinGen allele CA104499809.

ClinVar aggregate classification (germline): Uncertain significance (1 of 4 stars; one submission).

Conditions:
Cardiovascular phenotype. Identifiers: MedGen CN230736.

Allele frequency attached by ClinVar (database versions not stated): gnomAD exomes below 0.00001.
gnomAD v4.1: 1 of 1,613,224 alleles (0.000062%); highest among the groups gnomAD compares: Non-Finnish European, 0.000085%; no homozygotes.

Submission:

Ambry Genetics
Classification: Uncertain significance for Cardiovascular phenotype. Last evaluated: 2021-02-23. Review status: criteria provided, single submitter. Criteria: Ambry Variant Classification Scheme 2023. Collection method: clinical testing. Allele origin: germline.
Comment: The p.V117A variant (also known as c.350T>C), located in coding exon 4 of the ANK2 gene, results from a T to C substitution at nucleotide position 350. The valine at codon 117 is replaced by alanine, an amino acid with similar properties. This amino acid position is well conserved in available vertebrate species. In addition, this alteration is predicted to be deleterious by in silico analysis. Since supporting evidence is limited at this time, the clinical significance of this alteration remains unclear.